The following is an entry in ClinVar:

ClinVar aggregate classification (germline): Uncertain significance (1 of 4 stars; one submission).

Submission:

Labcorp Genetics (formerly Invitae), Labcorp
Classification: Uncertain significance. Last evaluated: 2023-10-05. Review status: criteria provided, single submitter. Criteria: Invitae Variant Classification Sherloc (09022015). Collection method: clinical testing. Allele origin: germline.
Comment: This variant, c.471_472delinsTA, is a complex sequence change that results in the deletion of 2 and insertion of 2 amino acid(s) in the TRIM8 protein (p.Glu157_Ala158delinsAspThr). Information on the frequency of this variant in the gnomAD database is not available, as this variant may be reported differently in the database. This variant has not been reported in the literature in individuals affected with TRIM8-related conditions. Experimental studies and prediction algorithms are not available or were not evaluated, and the functional significance of this variant is currently unknown. In summary, the available evidence is currently insufficient to determine the role of this variant in disease. Therefore, it has been classified as a Variant of Uncertain Significance.

NM_030912.3(TRIM8):c.471_472delinsTA (p.Glu157_Ala158delinsAspThr)

Gene: TRIM8 (tripartite motif containing 8; plus strand). Cytogenetic location: 10q24.32.
Variant type: Indel.
Coding change: c.471_472delinsTA on transcript NM_030912.3 (MANE Select); coding-DNA positions 471 to 472, GG replaced by TA.
Protein change: p.Glu157_Ala158delinsAspThr.
Molecular consequence: missense variant. On other transcripts: non-coding transcript variant (1).
Genome position (GRCh38, 1-based): chr10:102,645,088-102,645,089, GG replaced by TA. VCF-style: chr10-102645088-GG-TA. GRCh37 (hg19) VCF-style: chr10-104404845-GG-TA.
Other names: c.471_472delinsTA, p.Glu157_Ala158delinsAspThr (NM_001345950.1).
Identifiers: ClinVar variation 2765980 (VCV002765980.3), dbSNP rs2492888374, ClinGen allele CA2697558743.